The following is an entry in ClinVar:

ClinVar aggregate classification (germline): Likely pathogenic (1 of 4 stars; one submission).

Conditions:
Methylmalonic aciduria due to methylmalonyl-CoA mutase deficiency (MAMM). Also called: Methylmalonic aciduria, mut type. Identifiers: Orphanet 27, MedGen C1855114, MONDO:0009612, OMIM 251000.

Allele frequency attached by ClinVar (database versions not stated): gnomAD exomes below 0.00001.
gnomAD v4.1: 4 of 1,613,104 alleles (0.00025%); highest among the groups gnomAD compares: Non-Finnish European, 0.00034%; no homozygotes.

Submission:

Myriad Genetics, Inc.
Classification: Likely pathogenic for Methylmalonic aciduria due to methylmalonyl-CoA mutase deficiency. Last evaluated: 2020-01-30. Review status: criteria provided, single submitter. Criteria: Myriad Women's Health Autosomal Recessive and X-Linked Classification Criteria (2019). Collection method: clinical testing. Allele origin: unknown.
Comment: NM_000255.3(MUT):c.995T>G(L332*) is expected to be pathogenic in the context of MUT-related methylmalonic acidemia. This variant is predicted to lead to an abnormal or absent protein product due to the creation of a premature termination codon in MUT, a gene where loss-of-function variants are known to be pathogenic. Please note: this variant was assessed in the context of healthy population screening.

NM_000255.4(MMUT):c.995T>G (p.Leu332Ter)

Gene: MMUT (methylmalonyl-CoA mutase; minus strand). Cytogenetic location: 6p12.3.
Variant type: single nucleotide variant.
Coding change: c.995T>G on transcript NM_000255.4 (MANE Select); coding-DNA position 995, T replaced by G.
Protein change: p.Leu332Ter; replaces leucine 332 with a stop codon.
Molecular consequence: nonsense.
Genome position (GRCh38, 1-based): chr6:49,453,673, A>C on the plus strand (T>G on the coding strand, the complement: MMUT is on the minus strand). VCF-style: chr6-49453673-A-C. GRCh37 (hg19) VCF-style: chr6-49421386-A-C.
Other names: short protein forms L332*.
Identifiers: ClinVar variation 984149 (VCV000984149.3), dbSNP rs1767615100, ClinGen allele CA364400631.